The following is an entry in ClinVar:

ClinVar aggregate classification (germline): Uncertain significance (1 of 4 stars; one submission).

gnomAD v4.1: 1 of 1,613,994 alleles (0.000062%); highest among the groups gnomAD compares: Non-Finnish European, 0.000085%; no homozygotes.

Submission:

GeneDx
Classification: Uncertain significance. Last evaluated: 2024-05-21. Review status: criteria provided, single submitter. Criteria: GeneDx Variant Classification Process June 2021. Collection method: clinical testing. Allele origin: germline. Affected: yes.
Comment: Not observed at significant frequency in large population cohorts (gnomAD); In silico analysis supports that this missense variant does not alter protein structure/function; Has not been previously published as pathogenic or benign to our knowledge

NM_182641.4(BPTF):c.1865-5632G>A

Gene: BPTF (bromodomain PHD finger transcription factor; plus strand). Cytogenetic location: 17q24.2.
Variant type: single nucleotide variant.
Coding change: c.1865-5632G>A on transcript NM_182641.4 (MANE Select); 5632 bases into the intron before coding-DNA position 1865, G replaced by A.
Molecular consequence: intron variant. On other transcripts: missense variant (1).
Genome position (GRCh38, 1-based): chr17:67,886,212, G>A. VCF-style: chr17-67886212-G-A. GRCh37 (hg19) VCF-style: chr17-65882328-G-A.
Other names: c.2138G>A, p.Ser713Asn (NM_004459.7); short protein forms S713N.
Identifiers: ClinVar variation 3381420 (VCV003381420.1).